The following is an entry in ClinVar:

NM_001082486.2(ACD):c.186C>G (p.Asp62Glu)

Gene: ACD (ACD shelterin complex subunit and telomerase recruitment factor; minus strand). Cytogenetic location: 16q22.1.
Variant type: single nucleotide variant.
Coding change: c.186C>G on transcript NM_001082486.2 (MANE Select); coding-DNA position 186, C replaced by G.
Protein change: p.Asp62Glu; replaces aspartic acid 62 with glutamic acid.
Molecular consequence: missense variant.
Genome position (GRCh38, 1-based): chr16:67,659,959, G>C on the plus strand (C>G on the coding strand, the complement: ACD is on the minus strand). VCF-style: chr16-67659959-G-C. GRCh37 (hg19) VCF-style: chr16-67693862-G-C.
Other names: c.186C>G, p.Asp62Glu (NM_001410884.1); c.177C>G, p.Asp59Glu (NM_022914.3); short protein forms D62E, D59E.
Identifiers: ClinVar variation 1740673 (VCV001740673.2), dbSNP rs998982026, ClinGen allele CA396356700.

ClinVar aggregate classification (germline): Uncertain significance (1 of 4 stars; one submission).

Conditions:
Inborn genetic diseases. Identifiers: MedGen C0950123, MeSH D030342.

Submission:

Ambry Genetics
Classification: Uncertain significance for Inborn genetic diseases. Last evaluated: 2021-08-29. Review status: criteria provided, single submitter. Criteria: Ambry Variant Classification Scheme 2023. Collection method: clinical testing. Allele origin: germline.
Comment: The p.D148E variant (also known as c.444C>G), located in coding exon 2 of the ACD gene, results from a C to G substitution at nucleotide position 444. The aspartic acid at codon 148 is replaced by glutamic acid, an amino acid with highly similar properties. This amino acid position is conserved. In addition, the in silico prediction for this alteration is inconclusive. Since supporting evidence is limited at this time, the clinical significance of this alteration remains unclear.